The following is an entry in ClinVar:

NM_152703.5(SAMD9L):c.4070T>C (p.Met1357Thr)

Gene: SAMD9L (sterile alpha motif domain containing 9 like; minus strand). Cytogenetic location: 7q21.2.
Variant type: single nucleotide variant.
Coding change: c.4070T>C on transcript NM_152703.5 (MANE Select); coding-DNA position 4070, T replaced by C.
Protein change: p.Met1357Thr; replaces methionine 1357 with threonine.
Molecular consequence: missense variant.
Genome position (GRCh38, 1-based): chr7:93,131,902, A>G on the plus strand (T>C on the coding strand, the complement: SAMD9L is on the minus strand). VCF-style: chr7-93131902-A-G. GRCh37 (hg19) VCF-style: chr7-92761215-A-G.
Other names: c.4070T>C, p.Met1357Thr (NM_001303496.3, NM_001303497.3, NM_001303498.3 and 5 more transcripts); short protein forms M1357T.
Identifiers: ClinVar variation 4630104 (VCV004630104.1).
Genomic context (GRCh38, chr7:93,131,902, plus strand): 5'-GTCATGGGCTTTTTTGAGTTTTGCTGCAGTAGGAAGGCATATTCATTCACTATACTTTCC[A>G]TGGTGGTAGCATCTTTGTAGTTTGGATTAAGATATTCCAAGAGTCCAGCAAACCTATCTG-3'
Protein context (NP_689916.2, residues 1347-1367): LNPNYKDATT[Met1357Thr]ESIVNEYAFL

ClinVar aggregate classification (germline): Uncertain significance (1 of 4 stars; one submission).

Conditions:
Inborn genetic diseases. Identifiers: MedGen C0950123, MeSH D030342.

Submission:

Ambry Genetics
Classification: Uncertain significance for Inborn genetic diseases. Last evaluated: 2025-11-10. Review status: criteria provided, single submitter. Criteria: Ambry Variant Classification Scheme 2023. Collection method: clinical testing. Allele origin: germline.
Comment: The p.M1357T variant (also known as c.4070T>C), located in coding exon 1 of the SAMD9L gene, results from a T to C substitution at nucleotide position 4070. The methionine at codon 1357 is replaced by threonine, an amino acid with similar properties. This amino acid position is conserved. In addition, this alteration is predicted to be tolerated by in silico analysis. Based on the available evidence, the clinical significance of this variant remains unclear.